The following is an entry in ClinVar:

NC_000014.8:g.(?_102460990)_(102461657_?)del

Gene: DYNC1H1 (dynein cytoplasmic 1 heavy chain 1; plus strand). Cytogenetic location: 14q32.31.
Variant type: Deletion.
Identifiers: ClinVar variation 3244017 (VCV003244017.1).

ClinVar aggregate classification (germline): Uncertain significance (1 of 4 stars; one submission).

Conditions:
Charcot-Marie-Tooth disease axonal type 2O. Also called: CHARCOT-MARIE-TOOTH NEUROPATHY, AXONAL, TYPE 2O; CHARCOT-MARIE-TOOTH DISEASE, AXONAL, AUTOSOMAL DOMINANT, TYPE 2O; Charcot-Marie-Tooth Neuropathy Type 2O; Charcot-Marie-Tooth disease, axonal, type 20. Identifiers: Orphanet 284232, MedGen C3280220, MONDO:0013644, OMIM 614228.

Submission:

Labcorp Genetics (formerly Invitae), Labcorp
Classification: Uncertain significance for Charcot-Marie-Tooth disease axonal type 2O. Last evaluated: 2023-03-29. Review status: criteria provided, single submitter. Criteria: Invitae Variant Classification Sherloc (09022015). Collection method: clinical testing. Allele origin: unknown.
Comment: In summary, the available evidence is currently insufficient to determine the role of this variant in disease. Therefore, it has been classified as a Variant of Uncertain Significance. Experimental studies and prediction algorithms are not available or were not evaluated, and the functional significance of this variant is currently unknown. This variant has not been reported in the literature in individuals affected with DYNC1H1-related conditions. This variant is a gross deletion of the genomic region encompassing exon(s) 13-15 of the DYNC1H1 gene. This variant would be expected to be in-frame, preserving the integrity of the reading frame.